The following is an entry in ClinVar:

NM_201548.5(CERKL):c.212G>A (p.Arg71Gln)

Genes: CERKL (CERK like autophagy regulator; minus strand), LOC129935214 (ATAC-STARR-seq lymphoblastoid silent region 12157; plus strand). Cytogenetic location: 2q31.3.
Variant type: single nucleotide variant.
Coding change: c.212G>A on transcript NM_201548.5 (MANE Select); coding-DNA position 212, G replaced by A.
Protein change: p.Arg71Gln; replaces arginine 71 with glutamine.
Molecular consequence: missense variant. On other transcripts: non-coding transcript variant (2).
Genome position (GRCh38, 1-based): chr2:181,656,795, C>T on the plus strand (G>A on the coding strand, the complement: CERKL is on the minus strand). VCF-style: chr2-181656795-C-T. GRCh37 (hg19) VCF-style: chr2-182521522-C-T.
Other names: c.212G>A, p.Arg71Gln (NM_001030311.3, NM_001030312.3, NM_001030313.3 and 1 more transcripts); short protein forms R71Q.
Identifiers: ClinVar variation 1014292 (VCV001014292.6), dbSNP rs781492548, ClinGen allele CA2010923.

ClinVar aggregate classification (germline): Uncertain significance (1 of 4 stars; one submission).

Allele frequency attached by ClinVar (database versions not stated): gnomAD exomes below 0.00001.
gnomAD v4.1: 2 of 1,596,100 alleles (0.00013%); highest among the groups gnomAD compares: South Asian, 0.0011%; no homozygotes.

Submission:

Labcorp Genetics (formerly Invitae), Labcorp
Classification: Uncertain significance. Last evaluated: 2022-06-13. Review status: criteria provided, single submitter. Criteria: Invitae Variant Classification Sherloc (09022015). Collection method: clinical testing. Allele origin: germline.
Comment: This sequence change replaces arginine, which is basic and polar, with glutamine, which is neutral and polar, at codon 71 of the CERKL protein (p.Arg71Gln). The frequency data for this variant in the population databases is considered unreliable, as metrics indicate poor data quality at this position in the gnomAD database. This variant has not been reported in the literature in individuals affected with CERKL-related conditions. ClinVar contains an entry for this variant (Variation ID: 1014292). Algorithms developed to predict the effect of missense changes on protein structure and function output the following: SIFT: "Tolerated"; PolyPhen-2: "Benign"; Align-GVGD: "Class C0". The glutamine amino acid residue is found in multiple mammalian species, which suggests that this missense change does not adversely affect protein function. In summary, the available evidence is currently insufficient to determine the role of this variant in disease. Therefore, it has been classified as a Variant of Uncertain Significance.